The following is an entry in ClinVar:

ClinVar aggregate classification (germline): Uncertain significance (1 of 4 stars; one submission).

Conditions:
Congenital disorder of glycosylation, type Ii. Also called: ALG2-congenital disorder of glycosylation; CDG Ii; ALG2-CDG. Identifiers: Orphanet 79326, MedGen C1842836, MONDO:0011933, OMIM 607906.
Congenital myasthenic syndrome 14. Also called: Myasthenic syndrome, congenital, 14, with tubular aggregates. Identifiers: Orphanet 353327, Orphanet 590, MedGen C4015597, MONDO:0014543, OMIM 616228.

Allele frequency attached by ClinVar (database versions not stated): gnomAD exomes below 0.00001.
gnomAD v4.1: 2 of 1,543,162 alleles (0.00013%); highest among the groups gnomAD compares: Non-Finnish European, 0.00017%; no homozygotes.

Submission:

Labcorp Genetics (formerly Invitae), Labcorp
Classification: Uncertain significance for Congenital disorder of glycosylation, type Ii; Congenital myasthenic syndrome 14. Last evaluated: 2022-02-12. Review status: criteria provided, single submitter. Criteria: Invitae Variant Classification Sherloc (09022015). Collection method: clinical testing. Allele origin: germline.
Comment: This variant has not been reported in the literature in individuals affected with ALG2-related conditions. Algorithms developed to predict the effect of missense changes on protein structure and function are either unavailable or do not agree on the potential impact of this missense change (SIFT: "Tolerated"; PolyPhen-2: "Probably Damaging"; Align-GVGD: "Class C0"). Algorithms developed to predict the effect of sequence changes on RNA splicing suggest that this variant may create or strengthen a splice site. In summary, the available evidence is currently insufficient to determine the role of this variant in disease. Therefore, it has been classified as a Variant of Uncertain Significance. This variant is not present in population databases (gnomAD no frequency). This sequence change replaces methionine, which is neutral and non-polar, with isoleucine, which is neutral and non-polar, at codon 94 of the ALG2 protein (p.Met94Ile).

NM_033087.4(ALG2):c.282G>A (p.Met94Ile)

Gene: ALG2 (ALG2 alpha-1,3/1,6-mannosyltransferase; minus strand). Cytogenetic location: 9q22.33.
Variant type: single nucleotide variant.
Coding change: c.282G>A on transcript NM_033087.4 (MANE Select); coding-DNA position 282, G replaced by A.
Protein change: p.Met94Ile; replaces methionine 94 with isoleucine.
Molecular consequence: missense variant. On other transcripts: non-coding transcript variant (1).
Genome position (GRCh38, 1-based): chr9:99,221,613, C>T on the plus strand (G>A on the coding strand, the complement: ALG2 is on the minus strand). VCF-style: chr9-99221613-C-T. GRCh37 (hg19) VCF-style: chr9-101983895-C-T.
Other names: short protein forms M94I.
Identifiers: ClinVar variation 2097240 (VCV002097240.4), dbSNP rs2490391245, ClinGen allele CA374231457.